The following is an entry in ClinVar:

ClinVar aggregate classification (germline): Conflicting classifications of pathogenicity. Review status: criteria provided, conflicting classifications (1 of 4 stars). 3 submissions from 3 submitters: Likely pathogenic (1); Uncertain significance (2). Last evaluated 2025-12-11.

Conditions:
RYR1-related disorder. Also called: RYR1-related condition; RYR1-related disorders. Identifiers: MedGen CN239331.

Allele frequency attached by ClinVar (database versions not stated): ExAC 0.00001; gnomAD 0.00001; ESP Exome Variant Server 0.00008.
gnomAD v4.1: 19 of 1,598,746 alleles (0.0012%); highest among the groups gnomAD compares: Non-Finnish European, 0.0015%; no homozygotes.

Submissions (3):

GeneDx
Classification: Likely pathogenic. Last evaluated: 2025-12-11. Review status: criteria provided, single submitter. Criteria: GeneDx Variant Classification Process June 2021. Collection method: clinical testing. Allele origin: germline.
Comment: In silico analysis supports that this missense variant has a deleterious effect on protein structure/function; Not observed at significant frequency in large population cohorts (gnomAD); This variant is associated with the following publications: (PMID: 12668474, 33767344, 23558838)

Labcorp Genetics (formerly Invitae), Labcorp
Classification: Uncertain significance for RYR1-related disorder. Last evaluated: 2025-05-06. Review status: criteria provided, single submitter. Criteria: Invitae Variant Classification Sherloc (09022015). Collection method: clinical testing. Allele origin: germline.
Comment: This sequence change replaces asparagine, which is neutral and polar, with histidine, which is basic and polar, at codon 2351 of the RYR1 protein (p.Asn2351His). This variant is present in population databases (rs376176332, gnomAD 0.008%). This missense change has been observed in individual(s) with malignant hyperthermia (PMID: 23558838). ClinVar contains an entry for this variant (Variation ID: 1707832). Invitae Evidence Modeling of protein sequence and biophysical properties (such as structural, functional, and spatial information, amino acid conservation, physicochemical variation, residue mobility, and thermodynamic stability) indicates that this missense variant is not expected to disrupt RYR1 protein function with a negative predictive value of 80%. In summary, the available evidence is currently insufficient to determine the role of this variant in disease. Therefore, it has been classified as a Variant of Uncertain Significance.

Blueprint Genetics
Classification: Uncertain significance. Last evaluated: 2024-11-06. Review status: criteria provided, single submitter. Criteria: ACMG Guidelines, 2015. Collection method: clinical testing. Allele origin: germline.

Literature cited by the submitters: PubMed 23558838 (cited by Labcorp Genetics (formerly Invitae), Labcorp).

NM_000540.3(RYR1):c.7051A>C (p.Asn2351His)

Gene: RYR1 (ryanodine receptor 1; plus strand). Cytogenetic location: 19q13.2.
Variant type: single nucleotide variant.
Coding change: c.7051A>C on transcript NM_000540.3 (MANE Select); coding-DNA position 7051, A replaced by C.
Protein change: p.Asn2351His; replaces asparagine 2351 with histidine.
Molecular consequence: missense variant.
Genome position (GRCh38, 1-based): chr19:38,499,658, A>C. VCF-style: chr19-38499658-A-C. GRCh37 (hg19) VCF-style: chr19-38990298-A-C.
Other names: c.7051A>C, p.Asn2351His (NM_001042723.2); short protein forms N2351H.
Identifiers: ClinVar variation 1707832 (VCV001707832.5), dbSNP rs376176332, ClinGen allele CA069074.
Genomic context (GRCh38, chr19:38,499,658, plus strand): 5'-GGCTCATGAGACCCCCTTTCCCCATGCGGGTGGCCAGGCGAGAGCGTGGAGGAGAACGCC[A>C]ATGTGGTGGTGCGGCTGCTCATCCGGAAGCCTGAGTGCTTCGGACCCGCCCTGCGGGGTG-3'
Protein context (NP_000531.2, residues 2341-2361): VNGESVEENA[Asn2351His]VVVRLLIRKP